The following is an entry in ClinVar:

NM_000257.4(MYH7):c.2746G>A (p.Glu916Lys)

Gene: MYH7 (myosin heavy chain 7; minus strand). Cytogenetic location: 14q11.2.
Variant type: single nucleotide variant.
Coding change: c.2746G>A on transcript NM_000257.4 (MANE Select); coding-DNA position 2746, G replaced by A.
Protein change: p.Glu916Lys; replaces glutamic acid 916 with lysine.
Molecular consequence: missense variant.
Genome position (GRCh38, 1-based): chr14:23,424,083, C>T on the plus strand (G>A on the coding strand, the complement: MYH7 is on the minus strand). VCF-style: chr14-23424083-C-T. GRCh37 (hg19) VCF-style: chr14-23893292-C-T.
Other names: short protein forms E916K.
Identifiers: ClinVar variation 42930 (VCV000042930.5), dbSNP rs397516169, ClinGen allele CA013010.

ClinVar aggregate classification (germline): Uncertain significance (1 of 4 stars; one submission).

Submission:

Laboratory for Molecular Medicine, Mass General Brigham Personalized Medicine
Classification: Uncertain significance. Last evaluated: 2010-05-13. Review status: criteria provided, single submitter. Criteria: LMM Criteria. Collection method: clinical testing. Allele origin: germline. Observed: 1 variant allele.
Comment: Variant classified as Uncertain Significance - Favor Pathogenic.

Literature cited by the submitters: PubMed 19864899.